The following is an entry in ClinVar:

ClinVar aggregate classification (germline): Uncertain significance (1 of 4 stars; one submission).

Submission:

Labcorp Genetics (formerly Invitae), Labcorp
Classification: Uncertain significance. Last evaluated: 2023-05-03. Review status: criteria provided, single submitter. Criteria: Invitae Variant Classification Sherloc (09022015). Collection method: clinical testing. Allele origin: germline.
Comment: This sequence change replaces lysine, which is basic and polar, with glutamic acid, which is acidic and polar, at codon 350 of the COQ8A protein (p.Lys350Glu). This variant is not present in population databases (gnomAD no frequency). This variant has not been reported in the literature in individuals affected with COQ8A-related conditions. Advanced modeling of protein sequence and biophysical properties (such as structural, functional, and spatial information, amino acid conservation, physicochemical variation, residue mobility, and thermodynamic stability) has been performed at Invitae for this missense variant, however the output from this modeling did not meet the statistical confidence thresholds required to predict the impact of this variant on COQ8A protein function. In summary, the available evidence is currently insufficient to determine the role of this variant in disease. Therefore, it has been classified as a Variant of Uncertain Significance.

NM_020247.5(COQ8A):c.1048A>G (p.Lys350Glu)

Gene: COQ8A (coenzyme Q8A; plus strand). Cytogenetic location: 1q42.13.
Variant type: single nucleotide variant.
Coding change: c.1048A>G on transcript NM_020247.5 (MANE Select); coding-DNA position 1048, A replaced by G.
Protein change: p.Lys350Glu; replaces lysine 350 with glutamic acid.
Molecular consequence: missense variant.
Genome position (GRCh38, 1-based): chr1:226,983,002, A>G. VCF-style: chr1-226983002-A-G. GRCh37 (hg19) VCF-style: chr1-227170703-A-G.
Other names: short protein forms K350E.
Identifiers: ClinVar variation 2848335 (VCV002848335.3), dbSNP rs2528369649, ClinGen allele CA345053078.
Genomic context (GRCh38, chr1:226,983,002, plus strand): 5'-TACTTCGAGGAGCGGCCCTTCGCCGCCGCATCCATTGGGCAGGTGCACTTGGCCCGAATG[A>G]AGGGCGGCCGCGAGGTGGCCATGAAGATCCAGGTAGGCGGCCTGATGCGCAGTGCCTGTC-3'
Protein context (NP_064632.2, residues 340-360): SIGQVHLARM[Lys350Glu]GGREVAMKIQ